The following is an entry in ClinVar:

ClinVar aggregate classification (germline): Uncertain significance. Review status: criteria provided, multiple submitters, no conflicts (2 of 4 stars). 3 submissions from 3 submitters: Uncertain significance (3). Last evaluated 2024-06-24.

Conditions:
Dyskeratosis congenita. Identifiers: Orphanet 1775, MedGen C0265965, MONDO:0015780.
Inborn genetic diseases. Identifiers: MedGen C0950123, MeSH D030342.
Cerebroretinal microangiopathy with calcifications and cysts 1 (CRMCC1). Identifiers: Orphanet 313838, MedGen C4552029, MONDO:0024564, OMIM 612199.

Allele frequency attached by ClinVar (database versions not stated): ExAC 0.00002; gnomAD exomes 0.00002 and 0.00003; TOPMed 0.00004; gnomAD 0.00006 and 0.00007; 1000 Genomes Project 30x 0.00016; 1000 Genomes Project 0.00020.

Submissions (3):

Labcorp Genetics (formerly Invitae), Labcorp
Classification: Uncertain significance for Dyskeratosis congenita. Last evaluated: 2024-06-24. Review status: criteria provided, single submitter. Criteria: Invitae Variant Classification Sherloc (09022015). Collection method: clinical testing. Allele origin: germline.
Comment: This sequence change replaces arginine, which is basic and polar, with cysteine, which is neutral and slightly polar, at codon 460 of the CTC1 protein (p.Arg460Cys). This variant is present in population databases (rs561676622, gnomAD 0.03%). This variant has not been reported in the literature in individuals affected with CTC1-related conditions. ClinVar contains an entry for this variant (Variation ID: 992911). Advanced modeling of protein sequence and biophysical properties (such as structural, functional, and spatial information, amino acid conservation, physicochemical variation, residue mobility, and thermodynamic stability) performed at Invitae indicates that this missense variant is not expected to disrupt CTC1 protein function with a negative predictive value of 80%. In summary, the available evidence is currently insufficient to determine the role of this variant in disease. Therefore, it has been classified as a Variant of Uncertain Significance.

Ambry Genetics
Classification: Uncertain significance for Inborn genetic diseases. Last evaluated: 2022-05-16. Review status: criteria provided, single submitter. Criteria: Ambry Variant Classification Scheme 2023. Collection method: clinical testing. Allele origin: germline.

Johns Hopkins Genomics, Johns Hopkins University
Classification: Uncertain significance for Cerebroretinal microangiopathy with calcifications and cysts 1. Last evaluated: 2020-12-11. Review status: criteria provided, single submitter. Criteria: ACMG Guidelines, 2015. Collection method: clinical testing. Allele origin: germline.
Comment: This CTC1 variant (rs561676622) is rare (<0.1%) in a large population dataset (gnomAD: 10/280784 total alleles; 0.004%; no homozygotes) and has not been reported in ClinVar nor the literature, to our knowledge. Three bioinformatic tools queried predict that this substitution would be tolerated, and the arginine residue at this position is poorly evolutionarily conserved across the species assessed. We consider the clinical significance of c.1378C>T to be uncertain at this time.

NM_025099.6(CTC1):c.1378C>T (p.Arg460Cys)

Gene: CTC1 (CST telomere replication complex component 1; minus strand). Cytogenetic location: 17p13.1.
Variant type: single nucleotide variant.
Coding change: c.1378C>T on transcript NM_025099.6 (MANE Select); coding-DNA position 1378, C replaced by T.
Protein change: p.Arg460Cys; replaces arginine 460 with cysteine.
Molecular consequence: missense variant. On other transcripts: non-coding transcript variant (1).
Genome position (GRCh38, 1-based): chr17:8,235,114, G>A on the plus strand (C>T on the coding strand, the complement: CTC1 is on the minus strand). VCF-style: chr17-8235114-G-A. GRCh37 (hg19) VCF-style: chr17-8138432-G-A.
Other names: c.1378C>T (NM_025099.5); short protein forms R460C.
Identifiers: ClinVar variation 992911 (VCV000992911.6), dbSNP rs561676622, ClinGen allele CA8372366.